The following is an entry in ClinVar:

ClinVar aggregate classification (germline): Likely pathogenic. Review status: criteria provided, multiple submitters, no conflicts (2 of 4 stars). 2 submissions from 2 submitters: Likely pathogenic (2). Last evaluated 2025-11-14.

Conditions:
PLEC-related disorder. Also called: PLEC-related condition; PLEC-related disorders.
Epidermolysis bullosa simplex 5B, with muscular dystrophy (EBS5B). Also called: Epidermolysis bullosa simplex with muscular dystrophy; EPIDERMOLYSIS BULLOSA SIMPLEX AND LIMB-GIRDLE MUSCULAR DYSTROPHY. Identifiers: Orphanet 257, MedGen C2931072, MONDO:0009181, OMIM 226670.

Submissions (2):

Variantyx, Inc.
Classification: Likely pathogenic for Epidermolysis bullosa simplex 5B, with muscular dystrophy. Last evaluated: 2025-11-14. Review status: criteria provided, single submitter. Criteria: Variantyx Assertion Criteria 2022. Collection method: clinical testing. Allele origin: germline. Inheritance: Autosomal recessive inheritance. Affected: no.
Comment: This is a frameshift variant in the PLEC gene (OMIM: 601282). Pathogenic variants in this gene have been associated with autosomal recessive PLEC-related disorders. This variant introduces a premature termination codon in exon 31 out of 32 and is expected to result in loss of function, which is a known disease mechanism for PLEC in this disorder (PMID: 21109228, 28824526) (PVS1). This variant is absent from control populations (PM2). Based on the current evidence, this variant is classified as likely pathogenic for autosomal recessive PLEC-related disorders.

PreventionGenetics, part of Exact Sciences
Classification: Likely pathogenic for PLEC-related condition. Last evaluated: 2025-11-05. Review status: criteria provided, single submitter. Criteria: ACMG Guidelines, 2015. Collection method: clinical testing. Allele origin: germline.
Comment: The PLEC c.6927delG variant is predicted to result in premature protein termination (p.Leu2310*). To our knowledge, this variant has not been reported in the literature or in a large population database (gnomAD), indicating this variant is rare. Nonsense variants in PLEC are expected to be pathogenic. This variant is interpreted as likely pathogenic.

Literature cited by the submitters: PubMed 21109228 (cited by Variantyx, Inc.); PubMed 28824526 (cited by Variantyx, Inc.).

NM_201384.3(PLEC):c.6846del (p.Arg2282_Leu2283insTer)

Gene: PLEC (plectin; minus strand). Cytogenetic location: 8q24.3.
Variant type: Deletion.
Coding change: c.6846del on transcript NM_201384.3 (MANE Select); coding-DNA position 6846, one base deleted (G; older notation c.6846delG).
Protein change: p.Arg2282_Leu2283insTer.
Molecular consequence: frameshift variant. On other transcripts: intron variant (1).
Genome position (GRCh38, 1-based): chr8:143,923,083, C deleted on the plus strand (G on the coding strand, the reverse complement: PLEC is on the minus strand); the first of 2 consecutive C bases (chr8:143,923,083-143,923,084); deleting either gives the same sequence. VCF-style (leftmost placement, unchanged base first): chr8-143923082-GC-G. GRCh37 (hg19) VCF-style: chr8-144997250-GC-G.
Other names: c.6927del, p.Arg2309_Leu2310insTer (NM_000445.5); c.6804del, p.Arg2268_Leu2269insTer (NM_201378.4); c.6780del, p.Arg2260_Leu2261insTer (NM_201379.3); c.7257del, p.Arg2419_Leu2420insTer (NM_201380.4); c.6750del, p.Arg2250_Leu2251insTer (NM_201381.3); c.6846del, p.Arg2282_Leu2283insTer (NM_201382.4); c.6858del, p.Arg2286_Leu2287insTer (NM_201383.3); c.4126-688del (NM_001410941.1); and 1 more.
Identifiers: ClinVar variation 4813687 (VCV004813687.2).
Genomic context (GRCh38, chr8:143,923,082, plus strand): 5'-GTGCCAGGTCCTCCTCTGCCAGCTGCCGCAGTCGCGCAGCCTCTTGGGCCGCCACACTCA[GC>G]CGCGCGGCCTCCTCCGCCACCTGCTTCATCTTCTCAGCCTCCTCCTGCAGGAAGCGCTGC-3'